The following is an entry in ClinVar:

NM_022124.6(CDH23):c.7663G>T (p.Ala2555Ser)

Gene: CDH23 (cadherin related 23; plus strand). Cytogenetic location: 10q22.1.
Variant type: single nucleotide variant.
Coding change: c.7663G>T on transcript NM_022124.6 (MANE Select); coding-DNA position 7663, G replaced by T.
Protein change: p.Ala2555Ser; replaces alanine 2555 with serine.
Molecular consequence: missense variant.
Genome position (GRCh38, 1-based): chr10:71,803,211, G>T. VCF-style: chr10-71803211-G-T. GRCh37 (hg19) VCF-style: chr10-73562968-G-T.
Other names: c.943G>T, p.Ala315Ser (NM_001171933.1, NM_001171934.1); short protein forms A2555S, A315S.
Identifiers: ClinVar variation 1412659 (VCV001412659.8), dbSNP rs757587541, ClinGen allele CA377161020.

ClinVar aggregate classification (germline): Uncertain significance (1 of 4 stars; one submission).

Allele frequency attached by ClinVar (database versions not stated): gnomAD 0.00001.
gnomAD v4.1: 1 of 1,607,232 alleles (0.000062%); highest among the groups gnomAD compares: African/African-American, 0.0013%; no homozygotes.

Submission:

Labcorp Genetics (formerly Invitae), Labcorp
Classification: Uncertain significance. Last evaluated: 2022-11-22. Review status: criteria provided, single submitter. Criteria: Invitae Variant Classification Sherloc (09022015). Collection method: clinical testing. Allele origin: germline.
Comment: This sequence change replaces alanine, which is neutral and non-polar, with serine, which is neutral and polar, at codon 2555 of the CDH23 protein (p.Ala2555Ser). This variant is not present in population databases (gnomAD no frequency). This variant has not been reported in the literature in individuals affected with CDH23-related conditions. ClinVar contains an entry for this variant (Variation ID: 1412659). Algorithms developed to predict the effect of missense changes on protein structure and function are either unavailable or do not agree on the potential impact of this missense change (SIFT: "Deleterious"; PolyPhen-2: "Not Available"; Align-GVGD: "Class C0"). In summary, the available evidence is currently insufficient to determine the role of this variant in disease. Therefore, it has been classified as a Variant of Uncertain Significance.